The following is an entry in ClinVar:

NM_000441.2(SLC26A4):c.907G>C (p.Glu303Gln)

Gene: SLC26A4 (solute carrier family 26 member 4; plus strand). Cytogenetic location: 7q22.3.
Variant type: single nucleotide variant.
Coding change: c.907G>C on transcript NM_000441.2 (MANE Select); coding-DNA position 907, G replaced by C.
Protein change: p.Glu303Gln; replaces glutamic acid 303 with glutamine.
Molecular consequence: missense variant.
Genome position (GRCh38, 1-based): chr7:107,683,343, G>C. VCF-style: chr7-107683343-G-C. GRCh37 (hg19) VCF-style: chr7-107323788-G-C.
Other names: short protein forms E303Q.
Identifiers: ClinVar variation 5004921 (VCV005004921.1).

ClinVar aggregate classification (germline): Uncertain significance (1 of 4 stars; one submission).

Conditions:
Pendred syndrome (PDS). Also called: Pendred Syndrome (PDS); DEAFNESS WITH GOITER; THYROID DYSHORMONOGENESIS 2B; THYROID HORMONOGENESIS, GENETIC DEFECT IN, 2B; HYPOTHYROIDISM, CONGENITAL, DUE TO DYSHORMONOGENESIS, 2B; GOITER-DEAFNESS SYNDROME. Identifiers: Orphanet 705, MedGen C0271829, MONDO:0010134, OMIM 274600.

gnomAD v4.1: 2 of 1,613,710 alleles (0.00012%); highest among the groups gnomAD compares: Non-Finnish European, 0.000085%; no homozygotes.

Submission:

Myriad Genetics, Inc.
Classification: Uncertain significance for Pendred syndrome. Last evaluated: 2026-02-19. Review status: criteria provided, single submitter. Criteria: Myriad Autosomal Dominant, Autosomal Recessive and X-Linked Classification Criteria (2023). Collection method: clinical testing. Allele origin: unknown.
Comment: NM_000441.1(SLC26A4):c.907G>C(E303Q) is a missense variant classified as a variant of uncertain significance in the context of Pendred syndrome. E303Q has been observed in cases with relevant disease (PMID: 17718863, 25372295). Relevant functional assessments of this variant are available in the literature (PMID: 19509082). E303Q has been observed in referenced population frequency databases. In summary, there is insufficient evidence to classify NM_000441.1(SLC26A4):c.907G>C(E303Q) as pathogenic or benign. Please note: this variant was assessed in the context of healthy population screening.

Literature cited by the submitters: PubMed 17718863; PubMed 19509082; PubMed 25372295.